The following is an entry in ClinVar:

NM_003737.4(DCHS1):c.6664G>A (p.Val2222Ile)

Gene: DCHS1 (dachsous cadherin-related 1; minus strand). Cytogenetic location: 11p15.4.
Variant type: single nucleotide variant.
Coding change: c.6664G>A on transcript NM_003737.4 (MANE Select); coding-DNA position 6664, G replaced by A.
Protein change: p.Val2222Ile; replaces valine 2222 with isoleucine.
Molecular consequence: missense variant.
Genome position (GRCh38, 1-based): chr11:6,625,987, C>T on the plus strand (G>A on the coding strand, the complement: DCHS1 is on the minus strand). VCF-style: chr11-6625987-C-T. GRCh37 (hg19) VCF-style: chr11-6647218-C-T.
Other names: c.6664G>A (NM_003737.2); short protein forms V2222I.
Identifiers: ClinVar variation 1902457 (VCV001902457.7), dbSNP rs1009246246, ClinGen allele CA217330500.

ClinVar aggregate classification (germline): Uncertain significance. Review status: criteria provided, multiple submitters, no conflicts (2 of 4 stars). 3 submissions from 3 submitters: Uncertain significance (3). Last evaluated 2026-02-02.

Conditions:
Inborn genetic diseases. Identifiers: MedGen C0950123, MeSH D030342.
Van Maldergem syndrome 1 (VMLDS1). Also called: Van Maldergem syndrome 1 (VMLDS1). Identifiers: Orphanet 314679, MedGen C4551950, MONDO:0011070, OMIM 601390.

Allele frequency attached by ClinVar (database versions not stated): gnomAD 0.00002; gnomAD exomes 0.00002; TOPMed 0.00003.
gnomAD v4.1: 38 of 1,613,318 alleles (0.0024%); highest among the groups gnomAD compares: Middle Eastern, 0.016%; no homozygotes.

Submissions (3):

Clinical Genomics Laboratory, Washington University in St. Louis
Classification: Uncertain significance for Van Maldergem syndrome 1. Last evaluated: 2026-02-02. Review status: criteria provided, single submitter. Criteria: ACMG Guidelines, 2015. Collection method: clinical testing. Allele origin: germline.
Comment: A DCHS1 c.6664G>A (p.Val2222Ile) variant was identified at a near heterozygous allelic fraction of 46.7%, a frequency which may be consistent with germline origin. This variant, to our knowledge, has not been reported in the medical literature but has been reported in the ClinVar database a germline variant of uncertain significance by two submitters (ClinVar Variation ID: 1902457). It is only observed on 38/1,613,318 alleles in the general population (gnomAD v4.1.0), indicating it is not a common variant. Computational predictors suggest that the variant does not impact DCHS1 function. Due to limited information, and based on ACMG/AMP guidelines for variant interpretation (Richards S et al., PMID: 25741868), the clinical significance of this variant is uncertain at this time.

Labcorp Genetics (formerly Invitae), Labcorp
Classification: Uncertain significance. Last evaluated: 2025-10-07. Review status: criteria provided, single submitter. Criteria: Invitae Variant Classification Sherloc (09022015). Collection method: clinical testing. Allele origin: germline.
Comment: This sequence change replaces valine, which is neutral and non-polar, with isoleucine, which is neutral and non-polar, at codon 2222 of the DCHS1 protein (p.Val2222Ile). This variant is present in population databases (no rsID available, gnomAD 0.003%). This variant has not been reported in the literature in individuals affected with DCHS1-related conditions. ClinVar contains an entry for this variant (Variation ID: 1902457). Invitae Evidence Modeling of protein sequence and biophysical properties (such as structural, functional, and spatial information, amino acid conservation, physicochemical variation, residue mobility, and thermodynamic stability) indicates that this missense variant is not expected to disrupt DCHS1 protein function with a negative predictive value of 80%. In summary, the available evidence is currently insufficient to determine the role of this variant in disease. Therefore, it has been classified as a Variant of Uncertain Significance.

Ambry Genetics
Classification: Uncertain significance for Inborn genetic diseases. Last evaluated: 2023-09-25. Review status: criteria provided, single submitter. Criteria: Ambry Variant Classification Scheme 2023. Collection method: clinical testing. Allele origin: germline.